The following is an entry in ClinVar:

ClinVar aggregate classification (germline): Likely benign (1 of 4 stars; one submission).

Submission:

CeGaT Center for Human Genetics Tuebingen
Classification: Likely benign. Last evaluated: 2026-06-01. Review status: criteria provided, single submitter. Criteria: CeGaT Center For Human Genetics Tuebingen Variant Classification Criteria Version 2. Collection method: clinical testing. Allele origin: germline. Affected: yes. Observed: 1 variant allele.
Comment: PUS1: PM2:Supporting, BP4, BP7

NM_025215.6(PUS1):c.139A>C (p.Arg47=)

Genes: PUS1 (pseudouridine synthase 1; plus strand), LOC130009240 (ATAC-STARR-seq lymphoblastoid silent region 5107; plus strand). Cytogenetic location: 12q24.33.
Variant type: single nucleotide variant.
Coding change: c.139A>C on transcript NM_025215.6 (MANE Select); coding-DNA position 139, A replaced by C.
Protein change: p.Arg47=; no amino-acid change (arginine 47 retained).
Molecular consequence: synonymous variant.
Genome position (GRCh38, 1-based): chr12:131,929,971, A>C. VCF-style: chr12-131929971-A-C. GRCh37 (hg19) VCF-style: chr12-132414516-A-C.
Other names: c.55A>C, p.Arg19= (NM_001002019.3, NM_001002020.3).
Identifiers: ClinVar variation 4874361 (VCV004874361.2).